The following is an entry in ClinVar:

NM_177438.3(DICER1):c.3941G>A (p.Arg1314Gln)

Gene: DICER1 (dicer 1, ribonuclease III; minus strand). Cytogenetic location: 14q32.13.
Variant type: single nucleotide variant.
Coding change: c.3941G>A on transcript NM_177438.3 (MANE Select); coding-DNA position 3941, G replaced by A.
Protein change: p.Arg1314Gln; replaces arginine 1314 with glutamine.
Molecular consequence: missense variant.
Genome position (GRCh38, 1-based): chr14:95,103,455, C>T on the plus strand (G>A on the coding strand, the complement: DICER1 is on the minus strand). VCF-style: chr14-95103455-C-T. GRCh37 (hg19) VCF-style: chr14-95569792-C-T.
Other names: c.3941G>A, p.Arg1314Gln (NM_001195573.1, NM_001271282.3, NM_001291628.2 and 1 more transcripts); short protein forms R1314Q.
Identifiers: ClinVar variation 1401908 (VCV001401908.14), dbSNP rs1891080087, ClinGen allele CA390873121.

ClinVar aggregate classification (germline): Uncertain significance. Review status: criteria provided, multiple submitters, no conflicts (2 of 4 stars). 3 submissions from 3 submitters: Uncertain significance (3). Last evaluated 2024-10-03.

Conditions:
Global developmental delay - lung cysts - overgrowth - Wilms tumor syndrome. Also called: GLOW Syndrome; GLOBAL DEVELOPMENTAL DELAY, LUNG CYSTS, OVERGROWTH, AND WILMS TUMOR. Identifiers: Orphanet 404476, MedGen C4748924, MONDO:0018445, OMIM 618272.
DICER1-related tumor predisposition. Also called: DICER1 syndrome; DICER1-related pleuropulmonary blastoma cancer predisposition syndrome. Identifiers: Orphanet 284343, MedGen C3839822, MONDO:0100216.
Hereditary cancer-predisposing syndrome. Also called: Neoplastic Syndromes, Hereditary; Hereditary neoplastic syndrome; Hereditary Cancer Syndrome; Tumor predisposition. Identifiers: Orphanet 140162, MedGen C0027672, MeSH D009386, MONDO:0015356.

Allele frequency attached by ClinVar (database versions not stated): gnomAD exomes below 0.00001; TOPMed below 0.00001.
gnomAD v4.1: 1 of 1,614,136 alleles (0.000062%); highest among the groups gnomAD compares: Non-Finnish European, 0.000085%; no homozygotes.

Submissions (3):

Ambry Genetics
Classification: Uncertain significance for Hereditary cancer-predisposing syndrome. Last evaluated: 2024-10-03. Review status: criteria provided, single submitter. Criteria: Ambry Variant Classification Scheme 2023. Collection method: clinical testing. Allele origin: germline.
Comment: The p.R1314Q variant (also known as c.3941G>A), located in coding exon 20 of the DICER1 gene, results from a G to A substitution at nucleotide position 3941. The arginine at codon 1314 is replaced by glutamine, an amino acid with highly similar properties. This amino acid position is highly conserved in available vertebrate species. In addition, this alteration is predicted to be deleterious by in silico analysis. Based on the available evidence, the clinical significance of this variant remains unclear.

Labcorp Genetics (formerly Invitae), Labcorp
Classification: Uncertain significance for DICER1-related tumor predisposition. Last evaluated: 2024-04-27. Review status: criteria provided, single submitter. Criteria: Invitae Variant Classification Sherloc (09022015). Collection method: clinical testing. Allele origin: germline.
Comment: This sequence change replaces arginine, which is basic and polar, with glutamine, which is neutral and polar, at codon 1314 of the DICER1 protein (p.Arg1314Gln). This variant is not present in population databases (gnomAD no frequency). This variant has not been reported in the literature in individuals affected with DICER1-related conditions. ClinVar contains an entry for this variant (Variation ID: 1401908). Advanced modeling of protein sequence and biophysical properties (such as structural, functional, and spatial information, amino acid conservation, physicochemical variation, residue mobility, and thermodynamic stability) performed at Invitae indicates that this missense variant is expected to disrupt DICER1 protein function with a positive predictive value of 80%. In summary, the available evidence is currently insufficient to determine the role of this variant in disease. Therefore, it has been classified as a Variant of Uncertain Significance.

Baylor Genetics
Classification: Uncertain significance for Global developmental delay - lung cysts - overgrowth - Wilms tumor syndrome. Last evaluated: 2023-10-23. Review status: criteria provided, single submitter. Criteria: ACMG Guidelines, 2015. Collection method: clinical testing. Allele origin: unknown.